The following is an entry in ClinVar:

NM_004360.5(CDH1):c.901G>A (p.Ala301Thr)

Gene: CDH1 (cadherin 1; plus strand). Cytogenetic location: 16q22.1.
Variant type: single nucleotide variant.
Coding change: c.901G>A on transcript NM_004360.5 (MANE Select); coding-DNA position 901, G replaced by A.
Protein change: p.Ala301Thr; replaces alanine 301 with threonine.
Molecular consequence: missense variant. On other transcripts: 5 prime UTR variant (2).
Genome position (GRCh38, 1-based): chr16:68,811,752, G>A. VCF-style: chr16-68811752-G-A. GRCh37 (hg19) VCF-style: chr16-68845655-G-A.
Other names: c.901G>A (LRG_301t1); c.901G>A, p.Ala301Thr (NM_001317184.2); c.-715G>A (NM_001317185.2); c.-919G>A (NM_001317186.2); short protein forms A301T.
Identifiers: ClinVar variation 185413 (VCV000185413.29), dbSNP rs749056300, ClinGen allele CA191878.
Genomic context (GRCh38, chr16:68,811,752, plus strand): 5'-GTGATGGAGGTCACAGCCACAGACGCGGACGATGATGTGAACACCTACAATGCCGCCATC[G>A]CTTACACCATCCTCAGCCAAGATCCTGAGCTCCCTGACAAAAATATGTTCACCATTAACA-3'
Protein context (NP_004351.1, residues 291-311): DDVNTYNAAI[Ala301Thr]YTILSQDPEL

ClinVar aggregate classification (germline): Conflicting classifications of pathogenicity. Review status: criteria provided, conflicting classifications (1 of 4 stars). 11 submissions from 11 submitters: Uncertain significance (9); Likely benign (1). 1 of the submissions does not count toward it. Last evaluated 2025-12-29.

Conditions:
Hereditary cancer-predisposing syndrome. Also called: Tumor predisposition; Hereditary Cancer Syndrome; Hereditary neoplastic syndrome; Neoplastic Syndromes, Hereditary. Identifiers: Orphanet 140162, MedGen C0027672, MeSH D009386, MONDO:0015356.
Hereditary diffuse gastric adenocarcinoma (HDGC). Also called: DIFFUSE GASTRIC AND LOBULAR BREAST CANCER SYNDROME. Identifiers: Orphanet 26106, MedGen C1708349, MONDO:0007648, OMIM 137215.
Familial cancer of breast. Also called: BREAST CANCER, FAMILIAL; hereditary breast carcinoma; Hereditary breast cancer. Identifiers: Orphanet 227535, MedGen C0346153, MONDO:0016419, OMIM 114480. Disease mechanism: loss of function.

Allele frequency attached by ClinVar (database versions not stated): gnomAD 0.00001 and 0.00002; gnomAD exomes 0.00001 and 0.00002; ExAC 0.00002; TOPMed 0.00002.
gnomAD v4.1: 19 of 1,613,882 alleles (0.0012%); highest among the groups gnomAD compares: Middle Eastern, 0.016%; no homozygotes.

Submissions (11):

Center for Genomic Medicine, Rigshospitalet, Copenhagen University Hospital
Classification: Uncertain significance. Last evaluated: 2025-12-29. Review status: criteria provided, single submitter. Criteria: ACMG Guidelines, 2015. Collection method: clinical testing. Allele origin: germline.

Labcorp Genetics (formerly Invitae), Labcorp
Classification: Uncertain significance for Hereditary diffuse gastric adenocarcinoma. Last evaluated: 2025-12-17. Review status: criteria provided, single submitter. Criteria: Invitae Variant Classification Sherloc (09022015). Collection method: clinical testing. Allele origin: germline.
Comment: This sequence change replaces alanine, which is neutral and non-polar, with threonine, which is neutral and polar, at codon 301 of the CDH1 protein (p.Ala301Thr). This variant is present in population databases (rs749056300, gnomAD 0.01%). This missense change has been observed in individual(s) with personal or family history of breast and/or ovarian cancer (PMID: 31159747, 35534704). ClinVar contains an entry for this variant (Variation ID: 185413). An algorithm developed to predict the effect of missense changes on protein structure and function (PolyPhen-2) suggests that this variant is likely to be tolerated. In summary, the available evidence is currently insufficient to determine the role of this variant in disease. Therefore, it has been classified as a Variant of Uncertain Significance.

Baylor Genetics
Classification: Uncertain significance for Familial cancer of breast. Last evaluated: 2023-08-08. Review status: criteria provided, single submitter. Criteria: ACMG Guidelines, 2015. Collection method: clinical testing. Allele origin: unknown.

Color Diagnostics, LLC DBA Color Health
Classification: Uncertain significance for Hereditary cancer-predisposing syndrome. Last evaluated: 2023-07-24. Review status: criteria provided, single submitter. Criteria: ACMG Guidelines, 2015. Collection method: clinical testing. Allele origin: germline.
Comment: This missense variant replaces alanine with threonine at codon 301 of the CDH1 protein. To our knowledge, functional studies have not been reported for this variant. This variant has not been reported in individuals affected with CDH1-related disorders in the literature. This variant has been reported in a cohort of individuals undergoing genetic testing for hereditary cancer (PMID: 31159747). This variant has been identified in 5/282868 chromosomes in the general population by the Genome Aggregation Database (gnomAD). The available evidence is insufficient to determine the role of this variant in disease conclusively. Therefore, this variant is classified as a Variant of Uncertain Significance.

Myriad Genetics, Inc.
Classification: Uncertain significance for Hereditary diffuse gastric adenocarcinoma. Last evaluated: 2023-03-03. Review status: criteria provided, single submitter. Criteria: Myriad Autosomal Dominant, Autosomal Recessive and X-Linked Classification Criteria (2023). Collection method: clinical testing. Allele origin: unknown.
Comment: This variant is classified as a variant of uncertain significance as there is insufficient evidence to determine its impact on protein function and/or cancer risk.

European Reference Network on Genetic Tumour Risk Syndromes (ERN-GENTURIS), i3s - Instituto de Investigação e Inovação em Saúde, University of Porto
Classification: Uncertain significance for Hereditary diffuse gastric adenocarcinoma. Last evaluated: 2022-08-01. Review status: criteria provided, single submitter. Criteria: Lee et al. (Hum Mutat. 2018). Collection method: clinical testing. Allele origin: germline. Inheritance: Autosomal dominant inheritance. Affected: no. Study: ERN GENTURIS.
Comment: Not applicable criteria (PMID: 30311375)

Ambry Genetics
Classification: Likely benign for Hereditary cancer-predisposing syndrome. Last evaluated: 2021-11-15. Review status: criteria provided, single submitter. Criteria: Ambry Variant Classification Scheme 2023. Collection method: clinical testing. Allele origin: germline.

Sema4
Classification: Uncertain significance for Hereditary cancer-predisposing syndrome. Last evaluated: 2021-05-20. Review status: criteria provided, single submitter. Criteria: Sema4 Curation Guidelines. Collection method: curation. Allele origin: germline.
Comment: The CDH1 c.901G>A (p.A301T) variant has been reported in an individual with personal or family history of breast or ovarian cancer (PMIDs 31159747). This variant was observed in 1/10370 chromosomes of the Ashkenazi Jewish population of the Genome Aggregation Database (PMID: 32461654). This variant has been reported in ClinVar (Variation ID: 185413). In silico tools suggest the impact of the variant on protein function is inconclusive, though these predictions have not been confirmed by functional studies. The overall evidence is insufficient to meet ACMG/AMP criteria for classifying it as benign or pathogenic. In summary, the clinical significance of this variant is currently uncertain.

GeneDx
Classification: Uncertain significance. Last evaluated: 2021-02-16. Review status: criteria provided, single submitter. Criteria: GeneDx Variant Classification Process June 2021. Collection method: clinical testing. Allele origin: germline. Affected: yes.
Comment: Not observed at a significant frequency in large population cohorts (Lek 2016); In silico analysis supports that this missense variant does not alter protein structure/function; Observed in an individual undergoing hereditary cancer panel testing (Tsaousis 2019); This variant is associated with the following publications: (PMID: 31159747)

GeneKor MSA
Classification: Uncertain significance for Hereditary cancer-predisposing syndrome. Last evaluated: 2018-08-01. Review status: criteria provided, single submitter. Criteria: ACMG Guidelines, 2015. Collection method: clinical testing. Allele origin: germline. Affected: yes.

Counsyl
Classification: Uncertain significance for Hereditary diffuse gastric adenocarcinoma. Last evaluated: 2016-05-10. Review status: no assertion criteria provided. Collection method: clinical testing. Allele origin: unknown. Not counted in ClinVar's aggregate classification.

Literature cited by the submitters: PubMed 31159747 (cited by Labcorp Genetics (formerly Invitae), Labcorp and Color Diagnostics, LLC DBA Color Health); PubMed 35534704 (cited by Labcorp Genetics (formerly Invitae), Labcorp); PubMed 36436516 (cited by European Reference Network on Genetic Tumour Risk Syndromes (ERN-GENTURIS), i3s - Instituto de Investigação e Inovação em Saúde, University of Porto).